The following is an entry in ClinVar:

NM_000112.4(SLC26A2):c.1992C>G (p.Ile664Met)

Gene: SLC26A2 (solute carrier family 26 member 2; plus strand). Cytogenetic location: 5q32.
Variant type: single nucleotide variant.
Coding change: c.1992C>G on transcript NM_000112.4 (MANE Select); coding-DNA position 1992, C replaced by G.
Protein change: p.Ile664Met; replaces isoleucine 664 with methionine.
Molecular consequence: missense variant.
Genome position (GRCh38, 1-based): chr5:149,981,585, C>G. VCF-style: chr5-149981585-C-G. GRCh37 (hg19) VCF-style: chr5-149361148-C-G.
Other names: short protein forms I664M.
Identifiers: ClinVar variation 2168111 (VCV002168111.3), dbSNP rs780945972, ClinGen allele CA3505526.
Genomic context (GRCh38, chr5:149,981,585, plus strand): 5'-GGAGCTGCATACTATAGTGATTGACTGCAGTGCAATTCAATTTTTAGATACAGCAGGGAT[C>G]CACACACTGAAAGAAGTTCGCAGAGATTATGAAGCCATTGGAATCCAGGTTCTGCTGGCT-3'
Protein context (NP_000103.2, residues 654-674): SAIQFLDTAG[Ile664Met]HTLKEVRRDY

ClinVar aggregate classification (germline): Uncertain significance (1 of 4 stars; one submission).

Conditions:
Achondrogenesis, type IB (ACG1B). Also called: Achondrogenesis Type 1B. Identifiers: Orphanet 932, Orphanet 93298, MedGen C0265274, MONDO:0010966, OMIM 600972.
Multiple epiphyseal dysplasia type 4 (EDM4). Also called: SLC26A2-Related Multiple Epiphyseal Dysplasia; Multiple Epiphyseal Dysplasia, Recessive; MULTIPLE EPIPHYSEAL DYSPLASIA WITH BILAYERED PATELLAE; MULTIPLE EPIPHYSEAL DYSPLASIA WITH CLUBFOOT; MULTIPLE EPIPHYSEAL DYSPLASIA, AUTOSOMAL RECESSIVE. Identifiers: Orphanet 93307, MedGen C1847593, MONDO:0009189, OMIM 226900.
Atelosteogenesis type II (AO2). Also called: Neonatal osseous dysplasia 1; SLC26A2-Related Atelosteogenesis; NEONATAL OSSEOUS DYSPLASIA I. Identifiers: Orphanet 56304, MedGen C1850554, MONDO:0009727, OMIM 256050.
Diastrophic dysplasia (DTD). Also called: Diastrophic dwarfism. Identifiers: Orphanet 628, MedGen C0220726, MONDO:0009107, OMIM 222600.

Allele frequency attached by ClinVar (database versions not stated): TOPMed 0.00003; ExAC 0.00001; gnomAD exomes 0.00001.
gnomAD v4.1: 4 of 1,614,012 alleles (0.00025%); highest among the groups gnomAD compares: Admixed American, 0.0067%; no homozygotes.

Submission:

Labcorp Genetics (formerly Invitae), Labcorp
Classification: Uncertain significance for Atelosteogenesis type II; Multiple epiphyseal dysplasia type 4; Achondrogenesis, type IB; Diastrophic dysplasia. Last evaluated: 2024-05-20. Review status: criteria provided, single submitter. Criteria: Invitae Variant Classification Sherloc (09022015). Collection method: clinical testing. Allele origin: germline.
Comment: This sequence change replaces isoleucine, which is neutral and non-polar, with methionine, which is neutral and non-polar, at codon 664 of the SLC26A2 protein (p.Ile664Met). This variant is present in population databases (rs780945972, gnomAD 0.009%). This variant has not been reported in the literature in individuals affected with SLC26A2-related conditions. ClinVar contains an entry for this variant (Variation ID: 2168111). Advanced modeling of protein sequence and biophysical properties (such as structural, functional, and spatial information, amino acid conservation, physicochemical variation, residue mobility, and thermodynamic stability) performed at Invitae indicates that this missense variant is not expected to disrupt SLC26A2 protein function with a negative predictive value of 80%. In summary, the available evidence is currently insufficient to determine the role of this variant in disease. Therefore, it has been classified as a Variant of Uncertain Significance.